The following is an entry in ClinVar:

NM_015512.5(DNAH1):c.7612A>T (p.Met2538Leu)

Gene: DNAH1 (dynein axonemal heavy chain 1; plus strand). Cytogenetic location: 3p21.1.
Variant type: single nucleotide variant.
Coding change: c.7612A>T on transcript NM_015512.5 (MANE Select); coding-DNA position 7612, A replaced by T.
Protein change: p.Met2538Leu; replaces methionine 2538 with leucine.
Molecular consequence: missense variant.
Genome position (GRCh38, 1-based): chr3:52,381,643, A>T. VCF-style: chr3-52381643-A-T. GRCh37 (hg19) VCF-style: chr3-52415659-A-T.
Other names: short protein forms M2538L.
Identifiers: ClinVar variation 1352521 (VCV001352521.8), dbSNP rs757228664, ClinGen allele CA2434935.

ClinVar aggregate classification (germline): Uncertain significance (1 of 4 stars; one submission).

Conditions:
Ciliary dyskinesia, primary, 37 (CILD37). Also called: CILIARY DYSKINESIA, PRIMARY, 37, WITH OR WITHOUT SITUS INVERSUS. Identifiers: MedGen C4539798, MONDO:0033204, OMIM 617577.
Spermatogenic failure 18. Identifiers: MedGen C4539783, MONDO:0054615, OMIM 617576.

Allele frequency attached by ClinVar (database versions not stated): gnomAD 0.00001; gnomAD exomes 0.00004 and 0.00006; ExAC 0.00009.
gnomAD v4.1: 57 of 1,602,944 alleles (0.0036%); highest among the groups gnomAD compares: South Asian, 0.058%; no homozygotes.

Submission:

Labcorp Genetics (formerly Invitae), Labcorp
Classification: Uncertain significance for Ciliary dyskinesia, primary, 37; Spermatogenic failure 18. Last evaluated: 2021-04-26. Review status: criteria provided, single submitter. Criteria: Invitae Variant Classification Sherloc (09022015). Collection method: clinical testing. Allele origin: germline.
Comment: This sequence change replaces methionine with leucine at codon 2538 of the DNAH1 protein (p.Met2538Leu). The methionine residue is moderately conserved and there is a small physicochemical difference between methionine and leucine. In summary, the available evidence is currently insufficient to determine the role of this variant in disease. Therefore, it has been classified as a Variant of Uncertain Significance. Algorithms developed to predict the effect of missense changes on protein structure and function (SIFT, PolyPhen-2, Align-GVGD) all suggest that this variant is likely to be tolerated, but these predictions have not been confirmed by published functional studies and their clinical significance is uncertain. This variant has not been reported in the literature in individuals with DNAH1-related conditions. This variant is present in population databases (rs757228664, ExAC 0.05%).